The following is an entry in ClinVar:

NM_015450.3(POT1):c.686T>C (p.Val229Ala)

Gene: POT1 (protection of telomeres 1; minus strand). Cytogenetic location: 7q31.33.
Variant type: single nucleotide variant.
Coding change: c.686T>C on transcript NM_015450.3 (MANE Select); coding-DNA position 686, T replaced by C.
Protein change: p.Val229Ala; replaces valine 229 with alanine.
Molecular consequence: missense variant. On other transcripts: non-coding transcript variant (3).
Genome position (GRCh38, 1-based): chr7:124,858,973, A>G on the plus strand (T>C on the coding strand, the complement: POT1 is on the minus strand). VCF-style: chr7-124858973-A-G. GRCh37 (hg19) VCF-style: chr7-124499027-A-G.
Other names: c.293T>C, p.Val98Ala (NM_001042594.2); short protein forms V229A, V98A.
Identifiers: ClinVar variation 952934 (VCV000952934.10), dbSNP rs1795514833, ClinGen allele CA369056032.

ClinVar aggregate classification (germline): Uncertain significance (1 of 4 stars; one submission).

Conditions:
Tumor predisposition syndrome 3 (TPDS3). Also called: Melanoma, cutaneous malignant, susceptibility to, 10; Glioma susceptibility 9; LONG TELOMERE SYNDROME, POT1-RELATED; POT1 Tumor Predisposition. Identifiers: Orphanet 618, MedGen C4014476, MONDO:0014368, OMIM 615848.

Submission:

Labcorp Genetics (formerly Invitae), Labcorp
Classification: Uncertain significance for Tumor predisposition syndrome 3. Last evaluated: 2019-11-13. Review status: criteria provided, single submitter. Criteria: Invitae Variant Classification Sherloc (09022015). Collection method: clinical testing. Allele origin: germline.
Comment: This sequence change replaces valine with alanine at codon 229 of the POT1 protein (p.Val229Ala). The valine residue is moderately conserved and there is a small physicochemical difference between valine and alanine. This variant is not present in population databases (ExAC no frequency). This variant has not been reported in the literature in individuals with POT1-related conditions. Algorithms developed to predict the effect of missense changes on protein structure and function (SIFT, PolyPhen-2, Align-GVGD) all suggest that this variant is likely to be tolerated, but these predictions have not been confirmed by published functional studies and their clinical significance is uncertain. In summary, the available evidence is currently insufficient to determine the role of this variant in disease. Therefore, it has been classified as a Variant of Uncertain Significance.